The following is an entry in ClinVar:

NM_006231.4(POLE):c.217G>C (p.Asp73His)

Gene: POLE (DNA polymerase epsilon, catalytic subunit; minus strand). Cytogenetic location: 12q24.33.
Variant type: single nucleotide variant.
Coding change: c.217G>C on transcript NM_006231.4 (MANE Select); coding-DNA position 217, G replaced by C.
Protein change: p.Asp73His; replaces aspartic acid 73 with histidine.
Molecular consequence: missense variant.
Genome position (GRCh38, 1-based): chr12:132,680,675, C>G on the plus strand (G>C on the coding strand, the complement: POLE is on the minus strand). VCF-style: chr12-132680675-C-G. GRCh37 (hg19) VCF-style: chr12-133257261-C-G.
Other names: short protein forms D73H.
Identifiers: ClinVar variation 1429732 (VCV001429732.11), dbSNP rs2136031338, ClinGen allele CA387369372.

ClinVar aggregate classification (germline): Uncertain significance. Review status: criteria provided, multiple submitters, no conflicts (2 of 4 stars). 2 submissions from 2 submitters: Uncertain significance (2). Last evaluated 2025-08-02.

Conditions:
Hereditary cancer-predisposing syndrome. Also called: Hereditary Cancer Syndrome; Hereditary neoplastic syndrome; Neoplastic Syndromes, Hereditary; Tumor predisposition. Identifiers: Orphanet 140162, MedGen C0027672, MeSH D009386, MONDO:0015356.

Submissions (2):

Ambry Genetics
Classification: Uncertain significance for Hereditary cancer-predisposing syndrome. Last evaluated: 2025-08-02. Review status: criteria provided, single submitter. Criteria: Ambry Variant Classification Scheme 2023. Collection method: clinical testing. Allele origin: germline.
Comment: The p.D73H variant (also known as c.217G>C), located in coding exon 3 of the POLE gene, results from a G to C substitution at nucleotide position 217. The aspartic acid at codon 73 is replaced by histidine, an amino acid with similar properties. This amino acid position is conserved. In addition, the in silico prediction for this alteration is inconclusive. Since supporting evidence is limited at this time, the clinical significance of this alteration remains unclear.

Labcorp Genetics (formerly Invitae), Labcorp
Classification: Uncertain significance. Last evaluated: 2022-08-06. Review status: criteria provided, single submitter. Criteria: Invitae Variant Classification Sherloc (09022015). Collection method: clinical testing. Allele origin: germline.
Comment: This sequence change replaces aspartic acid, which is acidic and polar, with histidine, which is basic and polar, at codon 73 of the POLE protein (p.Asp73His). This variant is not present in population databases (gnomAD no frequency). In summary, the available evidence is currently insufficient to determine the role of this variant in disease. Therefore, it has been classified as a Variant of Uncertain Significance. Algorithms developed to predict the effect of missense changes on protein structure and function are either unavailable or do not agree on the potential impact of this missense change (SIFT: "Deleterious"; PolyPhen-2: "Probably Damaging"; Align-GVGD: "Class C0"). ClinVar contains an entry for this variant (Variation ID: 1429732). This variant has not been reported in the literature in individuals affected with POLE-related conditions.